The following is an entry in ClinVar:

NM_015274.3(MAN2B2):c.2807dup (p.Asn936fs)

Genes: MAN2B2 (mannosidase alpha class 2B member 2; plus strand), MRFAP1-AS1 (MRFAP1 antisense RNA 1; minus strand). Cytogenetic location: 4p16.1.
Variant type: Duplication.
Coding change: c.2807dup on transcript NM_015274.3 (MANE Select); coding-DNA position 2807, one base duplicated (A; older notation c.2807dupA).
Protein change: p.Asn936fs; shifts the reading frame from asparagine 936.
Molecular consequence: frameshift variant.
Genome position (GRCh38, 1-based): chr4:6,617,485, A duplicated; the last of 2 consecutive A bases (chr4:6,617,484-6,617,485); duplicating either gives the same sequence. VCF-style (leftmost placement, unchanged base first): chr4-6617483-G-GA. GRCh37 (hg19) VCF-style: chr4-6619210-G-GA.
Other names: c.2654dup, p.Asn885fs (NM_001292038.2); short protein forms N885fs, N936fs.
Identifiers: ClinVar variation 4883847 (VCV004883847.2).

ClinVar aggregate classification (germline): Uncertain significance (1 of 4 stars; one submission).

Submission:

Dasa
Classification: Uncertain significance. Last evaluated: 2026-01-08. Review status: criteria provided, single submitter. Criteria: DASA Assertion Criteria. Collection method: clinical testing. Allele origin: germline.
Comment: NM_015274.3(MAN2B2):c.2807dup (p.Asn936Lysfs*44) is a frameshift variant in MAN2B2 predicted to alter the reading frame and introduce a premature termination codon. This variant is rare in population databases. The currently available literature and clinical evidence are not sufficient to establish a definitive association between this variant and the reported condition. Therefore, this variant is classified as a variant of uncertain significance.